The following is an entry in ClinVar:

ClinVar aggregate classification (germline): Uncertain significance (1 of 4 stars; one submission).

Conditions:
Cardiovascular phenotype. Identifiers: MedGen CN230736.

Allele frequency attached by ClinVar (database versions not stated): gnomAD exomes below 0.00001.
gnomAD v4.1: 3 of 1,613,840 alleles (0.00019%); highest among the groups gnomAD compares: Non-Finnish European, 0.00025%; no homozygotes.

Submission:

Ambry Genetics
Classification: Uncertain significance for Cardiovascular phenotype. Last evaluated: 2025-06-23. Review status: criteria provided, single submitter. Criteria: Ambry Variant Classification Scheme 2023. Collection method: clinical testing. Allele origin: germline.
Comment: The p.V3575M variant (also known as c.10723G>A), located in coding exon 44 of the AKAP9 gene, results from a G to A substitution at nucleotide position 10723. The valine at codon 3575 is replaced by methionine, an amino acid with highly similar properties. This amino acid position is conserved. In addition, this alteration is predicted to be tolerated by in silico analysis. Since supporting evidence is limited at this time, the clinical significance of this alteration remains unclear.

NM_005751.5(AKAP9):c.10723G>A (p.Val3575Met)

Gene: AKAP9 (A-kinase anchoring protein 9; plus strand). Cytogenetic location: 7q21.2.
Variant type: single nucleotide variant.
Coding change: c.10723G>A on transcript NM_005751.5 (MANE Select); coding-DNA position 10723, G replaced by A.
Protein change: p.Val3575Met; replaces valine 3575 with methionine.
Molecular consequence: missense variant.
Genome position (GRCh38, 1-based): chr7:92,099,696, G>A. VCF-style: chr7-92099696-G-A. GRCh37 (hg19) VCF-style: chr7-91729010-G-A.
Other names: c.5368G>A, p.Val1790Met (NM_001379277.1); c.10699G>A, p.Val3567Met (NM_147185.3); short protein forms V3575M, V1790M, V3567M.
Identifiers: ClinVar variation 2449747 (VCV002449747.3), dbSNP rs1276941048, ClinGen allele CA368158291.
Genomic context (GRCh38, chr7:92,099,696, plus strand): 5'-TATTCACATCCATTTGTGCTTAAGTGACCTTACACCATTTTATTTTTCCAGCCCAGCTTG[G>A]TGTCCCCAAGTACTTCTTGTGGCTCATTGACTGAAAGACTACTGAGACAAAATGCTGAGC-3'
Protein context (NP_005742.4, residues 3565-3585): TGQQGEEPSL[Val3575Met]SPSTSCGSLT